The following is an entry in ClinVar:

NM_004612.4(TGFBR1):c.*2100T>G

Gene: TGFBR1 (transforming growth factor beta receptor 1; plus strand). Cytogenetic location: 9q22.33.
Variant type: single nucleotide variant.
Coding change: c.*2100T>G on transcript NM_004612.4 (MANE Select); 2100 bases downstream of the stop codon, T replaced by G.
Molecular consequence: 3 prime UTR variant.
Genome position (GRCh38, 1-based): chr9:99,151,405, T>G. VCF-style: chr9-99151405-T-G. GRCh37 (hg19) VCF-style: chr9-101913687-T-G.
Other names: c.*2100T>G (NM_001130916.3, NM_001306210.2).
Identifiers: ClinVar variation 364136 (VCV000364136.29), dbSNP rs532530728, ClinGen allele CA10627814.

ClinVar aggregate classification (germline): Likely benign (1 of 4 stars; one submission).

Allele frequency attached by ClinVar (database versions not stated): 1000 Genomes Project 0.00120; gnomAD 0.00214 and 0.00223; TOPMed 0.00229; gnomAD exomes 0.00274.
gnomAD v4.1: 521 of 219,064 alleles (0.24%); highest among the groups gnomAD compares: Admixed American, 0.34%; 4 homozygotes.

Submission:

CeGaT Center for Human Genetics Tuebingen
Classification: Likely benign. Last evaluated: 2023-04-01. Review status: criteria provided, single submitter. Criteria: CeGaT Center For Human Genetics Tuebingen Variant Classification Criteria Version 2. Collection method: clinical testing. Allele origin: germline. Affected: yes. Observed: 1 variant allele.
Comment: TGFBR1: BS1